The following is an entry in ClinVar:

ClinVar aggregate classification (germline): Conflicting classifications of pathogenicity. Review status: criteria provided, conflicting classifications (1 of 4 stars). 4 submissions from 4 submitters: Uncertain significance (2); Likely benign (2). Last evaluated 2025-11-25.

Conditions:
Cardiovascular phenotype. Identifiers: MedGen CN230736.
Myofibrillar myopathy 4. Also called: Zaspopathy (type). Identifiers: Orphanet 98912, MedGen C4721886, MONDO:0012277, OMIM 609452.

Allele frequency attached by ClinVar (database versions not stated): gnomAD 0.00002; ExAC 0.00003; TOPMed 0.00003; gnomAD exomes 0.00004.
gnomAD v4.1: 39 of 1,602,734 alleles (0.0024%); highest among the groups gnomAD compares: Admixed American, 0.017%; no homozygotes.

Submissions (4):

Labcorp Genetics (formerly Invitae), Labcorp
Classification: Uncertain significance for Myofibrillar myopathy 4. Last evaluated: 2025-11-25. Review status: criteria provided, single submitter. Criteria: Invitae Variant Classification Sherloc (09022015). Collection method: clinical testing. Allele origin: germline.
Comment: The LDB3 gene has multiple clinically relevant transcripts. This variant occurs in alternate transcript NM_007078.3, and corresponds to NM_001080116.1:c.321+1603A>T in the primary transcript. This sequence change replaces methionine, which is neutral and non-polar, with leucine, which is neutral and non-polar, at codon 216 of the LDB3 protein (p.Met216Leu). This variant is present in population databases (rs765199175, gnomAD 0.02%). This missense change has been observed in individual(s) with clinical features of myofibrillar myopathy (internal data). ClinVar contains an entry for this variant (Variation ID: 379172). Experimental studies and prediction algorithms are not available or were not evaluated, and the functional significance of this variant is currently unknown. Algorithms developed to predict the effect of sequence changes on RNA splicing suggest that this variant is not likely to affect RNA splicing. In summary, the available evidence is currently insufficient to determine the role of this variant in disease. Therefore, it has been classified as a Variant of Uncertain Significance.

Women's Health and Genetics/Laboratory Corporation of America, LabCorp
Classification: Uncertain significance. Last evaluated: 2025-04-11. Review status: criteria provided, single submitter. Criteria: LabCorp Variant Classification Summary - May 2015. Collection method: clinical testing. Allele origin: germline.

Ambry Genetics
Classification: Likely benign for Cardiovascular phenotype. Last evaluated: 2024-05-13. Review status: criteria provided, single submitter. Criteria: Ambry Variant Classification Scheme 2023. Collection method: clinical testing. Allele origin: germline.

GeneDx
Classification: Likely benign. Last evaluated: 2020-02-06. Review status: criteria provided, single submitter. Criteria: GeneDx Variant Classification Process June 2021. Collection method: clinical testing. Allele origin: germline. Affected: yes.

NM_007078.3(LDB3):c.646A>T (p.Met216Leu)

Gene: LDB3 (LIM domain binding 3; plus strand). Cytogenetic location: 10q23.2.
Variant type: single nucleotide variant.
Coding change: c.646A>T on transcript NM_007078.3 (MANE Select); coding-DNA position 646, A replaced by T.
Protein change: p.Met216Leu; replaces methionine 216 with leucine.
Molecular consequence: missense variant. On other transcripts: intron variant (5).
Genome position (GRCh38, 1-based): chr10:86,681,760, A>T. VCF-style: chr10-86681760-A-T. GRCh37 (hg19) VCF-style: chr10-88441517-A-T.
Other names: c.321+1603A>T (NM_001080116.1, NM_001368068.1, NM_001368066.1 and 2 more transcripts); c.646A>T, p.Met216Leu (NM_001080115.2, NM_001171610.2, NM_001171611.2 and 3 more transcripts); short protein forms M216L.
Identifiers: ClinVar variation 379172 (VCV000379172.20), dbSNP rs765199175, ClinGen allele CA5584756.